The following is an entry in ClinVar:

NM_005612.5(REST):c.2372A>C (p.Glu791Ala)

Gene: REST (RE1 silencing transcription factor; plus strand). Cytogenetic location: 4q12.
Variant type: single nucleotide variant.
Coding change: c.2372A>C on transcript NM_005612.5 (MANE Select); coding-DNA position 2372, A replaced by C.
Protein change: p.Glu791Ala; replaces glutamic acid 791 with alanine.
Molecular consequence: missense variant.
Genome position (GRCh38, 1-based): chr4:56,931,230, A>C. VCF-style: chr4-56931230-A-C. GRCh37 (hg19) VCF-style: chr4-57797396-A-C.
Other names: c.2372A>C, p.Glu791Ala (NM_001193508.2, NM_001363453.3); short protein forms E791A.
Identifiers: ClinVar variation 3905862 (VCV003905862.10).

ClinVar aggregate classification (germline): Uncertain significance (1 of 4 stars; one submission).

Submission:

CeGaT Center for Human Genetics Tuebingen
Classification: Uncertain significance. Last evaluated: 2025-05-01. Review status: criteria provided, single submitter. Criteria: CeGaT Center For Human Genetics Tuebingen Variant Classification Criteria Version 2. Collection method: clinical testing. Allele origin: germline. Affected: yes. Observed: 1 variant allele.
Comment: REST: PM2, BP4